The following is an entry in ClinVar:

ClinVar aggregate classification (germline): Uncertain significance (1 of 4 stars; one submission).

Submission:

GeneDx
Classification: Uncertain significance. Last evaluated: 2024-03-22. Review status: criteria provided, single submitter. Criteria: GeneDx Variant Classification Process June 2021. Collection method: clinical testing. Allele origin: germline. Affected: yes.
Comment: Not observed at significant frequency in large population cohorts (gnomAD); In silico analysis supports that this missense variant has a deleterious effect on protein structure/function; Has not been previously published as pathogenic or benign to our knowledge

NM_001165963.4(SCN1A):c.1779T>A (p.Asp593Glu)

Gene: SCN1A (sodium voltage-gated channel alpha subunit 1; minus strand). Cytogenetic location: 2q24.3.
Variant type: single nucleotide variant.
Coding change: c.1779T>A on transcript NM_001165963.4 (MANE Select); coding-DNA position 1779, T replaced by A.
Protein change: p.Asp593Glu; replaces aspartic acid 593 with glutamic acid.
Molecular consequence: missense variant. On other transcripts: 5 prime UTR variant (1), non-coding transcript variant (1).
Genome position (GRCh38, 1-based): chr2:166,043,933, A>T on the plus strand (T>A on the coding strand, the complement: SCN1A is on the minus strand). VCF-style: chr2-166043933-A-T. GRCh37 (hg19) VCF-style: chr2-166900443-A-T.
Other names: c.1779T>A, p.Asp593Glu (NM_001165964.3, NM_001202435.3, NM_001353948.2 and 7 more transcripts); c.1776T>A, p.Asp592Glu (NM_001353954.2, NM_001353955.2, NM_001353960.2); c.-647T>A (NM_001353961.2); short protein forms D592E, D593E.
Identifiers: ClinVar variation 3371398 (VCV003371398.1).
Genomic context (GRCh38, chr2:166,043,933, plus strand): 5'-TCGTCGGGGCACAAACAAGGAATCTCTACGGCTCTCGTTATCCTCAAAGGTGCTGTGCTC[A>T]TCATCTGCGAAGTCGTTCTCAGATCCCACATCCTTTGCTCGCCCTCTAAAGCTGAAAAGG-3'
Protein context (NP_001159435.1, residues 583-603): DVGSENDFAD[Asp593Glu]EHSTFEDNES